The following continues an entry in ClinVar:

NM_000218.3(KCNQ1):c.477+5G>A

Gene: KCNQ1. ClinVar aggregate classification (germline): Likely pathogenic. Likely pathogenic (1).

Submissions 14 to 20 of 20:

Clinical Genetics Laboratory, Skane University Hospital Lund
Classification: Pathogenic. Last evaluated: 2023-07-20. Review status: criteria provided, single submitter. Criteria: ACMG Guidelines, 2015. Collection method: clinical testing. Allele origin: germline. Affected: yes. Not counted in ClinVar's aggregate classification.

Victorian Clinical Genetics Services, Murdoch Childrens Research Institute
Classification: Pathogenic for Long QT syndrome 1. Last evaluated: 2023-07-17. Review status: criteria provided, single submitter. Criteria: ACMG Guidelines, 2015. Collection method: clinical testing. Allele origin: germline. Inheritance: Autosomal dominant inheritance. Affected: yes. Not counted in ClinVar's aggregate classification.
Comment: Based on the classification scheme VCGS_Germline_v1.3.4, this variant is classified as Pathogenic. Following criteria are met: 0103 - Dominant negative, loss of function and gain of function are known mechanisms of disease in this gene. Gain of function variants result exclusively in short QT syndrome 2 (MIM#609621), while dominant negative and loss of function variants can cause long QT syndrome 1 (LQTS, MIM#192500), familial atrial fibrillation 3 (MIM#607554) as well as Jervell and Lange-Nielsen syndrome (JLNS, MIM#220400) (OMIM, PMIDs: 19632626, 28438721). (I) 0108 - This gene is known to be associated with both recessive and dominant disease. JLNS is characterised by congenital, bilateral deafness and variable degrees of QT prolongation, and is the only condition caused by biallelic variants (PMID: 28438721). (I) 0112 - The condition associated with this gene has incomplete penetrance (OMIM, PMID: 20301308). (I) 0209 - Splice site variant proven to affect splicing of the transcript with uncertain effect on protein sequence. This splice site variant has been demonstrated across two different studies to result in aberrant mRNA splicing with each study predicting a different premature termination codon (Crehalet, H. et al. (2012)). (SP) 0251 - Variant is heterozygous. (I) 0304 - Variant is present in gnomAD (v2) <0.01 (3 heterozygotes, 0 homozygotes). (SP) 0801 - This variant has very strong previous evidence of pathogenicity in unrelated individuals. This variant has been classified as likely pathogenic or pathogenic by multiple clinical diagnostic laboratories and has been reported as either compound heterozygous in JLNS individuals or heterozygous in LQTS individuals (ClinVar, VCGS, Crehalet, H. et al. (2012); PMIDs: 28438721, 10728423, 32508908, 36102233). (SP) 1208 - Inheritance information for this variant is not currently available. (I) Legend: (SP) - Supporting pathogenic, (I) - Information, (SB) - Supporting benign

Roden Lab, Vanderbilt University Medical Center
Classification: Pathogenic for Long QT syndrome 1. Last evaluated: 2022-10-05. Review status: criteria provided, single submitter. Criteria: ACMG Guidelines, 2015. Collection method: research, in vitro. Allele origin: unknown, not applicable. Functional consequence: sequence_variant_affecting_splicing. Not counted in ClinVar's aggregate classification.
Comment: The KCNQ1 c.477+5G>A variant was observed in 7 cases of LQTS and was observed rarely in population databases (PMID: 32893267). The variant is highly predicted to alter mRNA splicing. A minigene assay provided experimental support for this prediction. Collectively, this evidence allows the classification of this variant as Pathogenic.

MGZ Medical Genetics Center
Classification: Pathogenic for Long QT syndrome 1. Last evaluated: 2022-08-10. Review status: criteria provided, single submitter. Criteria: ACMG Guidelines, 2015. Collection method: clinical testing. Allele origin: germline. Affected: yes. Observed: 2 variant alleles. Not counted in ClinVar's aggregate classification.
Comment: ACMG criteria applied: PS4, PS3_MOD, PM3, PM2_SUP, PP1

GeneDx
Classification: Pathogenic. Last evaluated: 2022-03-24. Review status: criteria provided, single submitter. Criteria: GeneDx Variant Classification Process June 2021. Collection method: clinical testing. Allele origin: germline. Affected: yes. Not counted in ClinVar's aggregate classification.
Comment: Not observed at significant frequency in large population cohorts (gnomAD); Non-canonical splice site variant demonstrated to result in loss-of-function (Crehalet et al., 2012); Reported in ClinVar as pathogenic or likely pathogenic (ClinVar Variant ID# 53047; ClinVar); This variant is associated with the following publications: (PMID: 7446532, 25525159, 10973849, 18441444, 16922724, 10560595, 19716085, 21350584, 23124029, 15840476, 10728423, 22429796, 28438721, 23995044, 32048431, 31737537, 31447099, 34135346, 23392653, 32508908)

Revvity Omics, Revvity
Classification: Pathogenic. Last evaluated: 2022-01-14. Review status: criteria provided, single submitter. Criteria: ACMG Guidelines, 2015. Collection method: clinical testing. Allele origin: germline. Not counted in ClinVar's aggregate classification.

HudsonAlpha Institute for Biotechnology
Classification: Pathogenic for Long QT syndrome 1. Last evaluated: 2019-05-23. Review status: criteria provided, single submitter. Criteria: ACMG Guidelines, 2015. Collection method: research. Allele origin: maternal. Observed: 2 variant alleles. Study: HudsonAlpha-AGHI-WGS. Not counted in ClinVar's aggregate classification.

Literature cited by the submitters: PubMed 10560595 (cited by 6 submitters); PubMed 10728423 (cited by 6 submitters); PubMed 16922724 (cited by 4 submitters); PubMed 19716085 (cited by Ambry Genetics); PubMed 21350584 (cited by Ambry Genetics and Laboratory for Molecular Medicine, Mass General Brigham Personalized Medicine); PubMed 22429796 (cited by 5 submitters); PubMed 23392653 (cited by 4 submitters); PubMed 23995044 (cited by Ambry Genetics); PubMed 28438721 (cited by 5 submitters); PubMed 32508908 (cited by 5 submitters); PubMed 10973849 (cited by 3 submitters); PubMed 17576681 (cited by Labcorp Genetics (formerly Invitae), Labcorp); PubMed 9536098 (cited by Labcorp Genetics (formerly Invitae), Labcorp); PubMed 36197721 (cited by 3 submitters); PubMed 37821546 (cited by All of Us Research Program, National Institutes of Health and Color Diagnostics, LLC DBA Color Health); PubMed 36102233 (cited by Women's Health and Genetics/Laboratory Corporation of America, LabCorp and Victorian Clinical Genetics Services, Murdoch Childrens Research Institute); PubMed 19632626 (cited by Victorian Clinical Genetics Services, Murdoch Childrens Research Institute); PubMed 20301308 (cited by Victorian Clinical Genetics Services, Murdoch Childrens Research Institute).